The following is an entry in ClinVar:

NM_004357.5(CD151):c.240C>T (p.Cys80=)

Gene: CD151 (CD151 molecule (Raph blood group); plus strand). Cytogenetic location: 11p15.5.
Variant type: single nucleotide variant.
Coding change: c.240C>T on transcript NM_004357.5 (MANE Select); coding-DNA position 240, C replaced by T.
Protein change: p.Cys80=; no amino-acid change (cysteine 80 retained).
Molecular consequence: synonymous variant.
Genome position (GRCh38, 1-based): chr11:836,406, C>T. VCF-style: chr11-836406-C-T. GRCh37 (hg19) VCF-style: chr11-836406-C-T.
Other names: c.240C>T, p.Cys80= (NM_001039490.2, NM_139029.2, NM_139030.4).
Identifiers: ClinVar variation 714494 (VCV000714494.37), dbSNP rs34726520, ClinGen allele CA5792097.

ClinVar aggregate classification (germline): Benign/Likely benign. Review status: criteria provided, multiple submitters, no conflicts (2 of 4 stars). 6 submissions from 6 submitters: Benign (3); Likely benign (2). 1 of the submissions does not count toward it. Last evaluated 2026-01-24.

Conditions:
CD151-related disorder. Also called: CD151-related condition.

Allele frequency attached by ClinVar (database versions not stated): ExAC 0.00169; gnomAD 0.00248; ESP Exome Variant Server 0.00346; TOPMed 0.00346; 1000 Genomes Project 0.00379; 1000 Genomes Project 30x 0.00453.
gnomAD v4.1: 1,662 of 1,611,432 alleles (0.1%); highest among the groups gnomAD compares: Middle Eastern, 1.7%; 8 homozygotes.

Submissions (6):

Labcorp Genetics (formerly Invitae), Labcorp
Classification: Benign. Last evaluated: 2026-01-24. Review status: criteria provided, single submitter. Criteria: Invitae Variant Classification Sherloc (09022015). Collection method: clinical testing. Allele origin: germline.

CeGaT Center for Human Genetics Tuebingen
Classification: Likely benign. Last evaluated: 2025-08-01. Review status: criteria provided, single submitter. Criteria: CeGaT Center For Human Genetics Tuebingen Variant Classification Criteria Version 2. Collection method: clinical testing. Allele origin: germline. Affected: yes. Observed: 3 variant alleles.
Comment: CD151: BP4, BP7

Blueprint Genetics
Classification: Likely benign. Last evaluated: 2024-11-21. Review status: criteria provided, single submitter. Criteria: ACMG Guidelines, 2015. Collection method: clinical testing. Allele origin: germline.

GeneDx
Classification: Benign. Last evaluated: 2019-12-29. Review status: criteria provided, single submitter. Criteria: GeneDx Variant Classification Process June 2021. Collection method: clinical testing. Allele origin: germline. Affected: yes.

Breakthrough Genomics
Classification: Benign. Review status: criteria provided, single submitter. Criteria: ACMG Guidelines, 2015. Collection method: not provided. Allele origin: germline. Inheritance: Autosomal recessive inheritance. Affected: yes.

PreventionGenetics, part of Exact Sciences
Classification: Benign for CD151-related condition. Last evaluated: 2024-04-02. Review status: no assertion criteria provided. Collection method: clinical testing. Allele origin: germline. Not counted in ClinVar's aggregate classification.
Comment: This variant is classified as benign based on ACMG/AMP sequence variant interpretation guidelines (Richards et al. 2015 PMID: 25741868, with internal and published modifications).